The following is an entry in ClinVar:

ClinVar aggregate classification (germline): Likely benign (1 of 4 stars; one submission).

Allele frequency attached by ClinVar (database versions not stated): gnomAD exomes 0.00013; gnomAD 0.00017; TOPMed 0.00019.
gnomAD v4.1: 62 of 398,556 alleles (0.016%); highest among the groups gnomAD compares: Middle Eastern, 0.12%; no homozygotes.

Submission:

CeGaT Center for Human Genetics Tuebingen
Classification: Likely benign. Last evaluated: 2024-01-01. Review status: criteria provided, single submitter. Criteria: CeGaT Center For Human Genetics Tuebingen Variant Classification Criteria Version 2. Collection method: clinical testing. Allele origin: germline. Affected: yes. Observed: 2 variant alleles.
Comment: KCNQ1OT1: BS1

NM_000218.3(KCNQ1):c.1394-5831T>C

Genes: KCNQ1 (potassium voltage-gated channel subfamily Q member 1; plus strand), KCNQ1OT1 (KCNQ1 opposite strand/antisense transcript 1; minus strand). Cytogenetic location: 11p15.5.
Variant type: single nucleotide variant.
Coding change: c.1394-5831T>C on transcript NM_000218.3 (MANE Select); 5831 bases into the intron before coding-DNA position 1394, T replaced by C.
Molecular consequence: intron variant. On other transcripts: non-coding transcript variant (1).
Genome position (GRCh38, 1-based): chr11:2,656,130, T>C. VCF-style: chr11-2656130-T-C. GRCh37 (hg19) VCF-style: chr11-2677360-T-C.
Other names: c.1124-5831T>C (NM_001406837.1); c.1298-5831T>C (NM_001406836.1); c.854-5831T>C (NM_001406838.1); c.1013-5831T>C (NM_181798.2).
Identifiers: ClinVar variation 2641439 (VCV002641439.24), dbSNP rs943167233, ClinGen allele CA216166626.